The following is an entry in ClinVar:

NM_001184.4(ATR):c.2590G>A (p.Glu864Lys)

Gene: ATR (ATR checkpoint kinase; minus strand). Cytogenetic location: 3q23.
Variant type: single nucleotide variant.
Coding change: c.2590G>A on transcript NM_001184.4 (MANE Select); coding-DNA position 2590, G replaced by A.
Protein change: p.Glu864Lys; replaces glutamic acid 864 with lysine.
Molecular consequence: missense variant.
Genome position (GRCh38, 1-based): chr3:142,553,683, C>T on the plus strand (G>A on the coding strand, the complement: ATR is on the minus strand). VCF-style: chr3-142553683-C-T. GRCh37 (hg19) VCF-style: chr3-142272525-C-T.
Other names: c.2398G>A, p.Glu800Lys (NM_001354579.2); short protein forms E800K, E864K.
Identifiers: ClinVar variation 3221089 (VCV003221089.1), dbSNP rs2473384039, ClinGen allele CA354815513.
Genomic context (GRCh38, chr3:142,553,683, plus strand): 5'-AATGCTGCCAAGTATACCTTCCAATATCCCCTGTTGTAAGAATCAAGGTATCCTTCAGCT[C>T]ATTATTTCTTGATATTTGGGCATGTGTATATGCTTCCTTCATTCTTAAGACAAAAAGCTA-3'
Protein context (NP_001175.2, residues 854-874): YTHAQISRNN[Glu864Lys]LKDTLILTTG

ClinVar aggregate classification (germline): Uncertain significance (1 of 4 stars; one submission).

Conditions:
Inborn genetic diseases. Identifiers: MedGen C0950123, MeSH D030342.

Allele frequency attached by ClinVar (database versions not stated): gnomAD exomes below 0.00001.
gnomAD v4.1: 1 of 1,612,378 alleles (0.000062%); highest among the groups gnomAD compares: Non-Finnish European, 0.000085%; no homozygotes.

Submission:

Ambry Genetics
Classification: Uncertain significance for Inborn genetic diseases. Last evaluated: 2024-02-02. Review status: criteria provided, single submitter. Criteria: Ambry Variant Classification Scheme 2023. Collection method: clinical testing. Allele origin: germline.
Comment: The p.E864K variant (also known as c.2590G>A), located in coding exon 12 of the ATR gene, results from a G to A substitution at nucleotide position 2590. The glutamic acid at codon 864 is replaced by lysine, an amino acid with similar properties. This amino acid position is conserved. In addition, this alteration is predicted to be tolerated by in silico analysis. Based on the available evidence, the clinical significance of this alteration remains unclear.